The following is an entry in ClinVar:

ClinVar aggregate classification (germline): Likely benign. Review status: criteria provided, multiple submitters, no conflicts (2 of 4 stars). 2 submissions from 2 submitters: Likely benign (2). Last evaluated 2025-12-24.

Conditions:
Multiple endocrine neoplasia, type 2 (MEN2). Identifiers: Orphanet 653, MedGen C4048306, MONDO:0019003. Disease mechanism: gain of function.
Multiple endocrine neoplasia type 2A. Also called: Multiple Endocrine Neoplasia Type 2A (MEN2A); MULTIPLE ENDOCRINE NEOPLASIA, TYPE IIA; PTC SYNDROME; SIPPLE SYNDROME; MEN 2A; MEN-2A syndrome. Identifiers: Orphanet 247698, Orphanet 653, MedGen C0025268, MeSH D018813, MONDO:0008234, OMIM 171400.

Allele frequency attached by ClinVar (database versions not stated): gnomAD 0.00001.
gnomAD v4.1: 23 of 1,596,108 alleles (0.0014%); highest among the groups gnomAD compares: Admixed American, 0.038%; no homozygotes.

Submissions (2):

Labcorp Genetics (formerly Invitae), Labcorp
Classification: Likely benign for Multiple endocrine neoplasia, type 2. Last evaluated: 2025-12-24. Review status: criteria provided, single submitter. Criteria: Invitae Variant Classification Sherloc (09022015). Collection method: clinical testing. Allele origin: germline.

Myriad Genetics, Inc.
Classification: Likely benign for Multiple endocrine neoplasia type 2A. Last evaluated: 2025-02-26. Review status: criteria provided, single submitter. Criteria: Myriad Autosomal Dominant, Autosomal Recessive and X-Linked Classification Criteria (2023). Collection method: clinical testing. Allele origin: unknown.
Comment: This variant is considered likely benign. This variant is intronic and is not expected to impact mRNA splicing.

NM_020975.6(RET):c.1760-20T>C

Gene: RET (ret proto-oncogene; plus strand). Cytogenetic location: 10q11.21.
Variant type: single nucleotide variant.
Coding change: c.1760-20T>C on transcript NM_020975.6 (MANE Select); 20 bases into the intron before coding-DNA position 1760, T replaced by C.
Molecular consequence: intron variant.
Genome position (GRCh38, 1-based): chr10:43,113,536, T>C. VCF-style: chr10-43113536-T-C. GRCh37 (hg19) VCF-style: chr10-43608984-T-C.
Other names: c.1760-20T>C (NM_020630.7, NM_001406743.1, NM_001406744.1 and 4 more transcripts); c.1364-20T>C (NM_001406772.1, NM_001406769.1); c.1322-20T>C (NM_001406773.1, NM_001406771.1); c.863-20T>C (NM_001406782.1, NM_001406780.1, NM_001406779.1 and 2 more transcripts); c.862+573T>C (NM_001406785.1); c.1631-20T>C (NM_001406764.1, NM_001406762.1, NM_001406761.1 and 1 more transcripts); c.1235-20T>C (NM_001406774.1); c.734-20T>C (NM_001406786.1, NM_001406783.1); and 7 more.
Identifiers: ClinVar variation 1611774 (VCV001611774.10), dbSNP rs766839936, ClinGen allele CA035484.